The following is an entry in ClinVar:

ClinVar aggregate classification (germline): Uncertain significance. Review status: criteria provided, multiple submitters, no conflicts (2 of 4 stars). 2 submissions from 2 submitters: Uncertain significance (2). Last evaluated 2022-08-16.

Conditions:
LAMA2-related muscular dystrophy (LAMA2-RD). Also called: Laminin alpha 2-related dystrophy. Identifiers: MedGen C5679788, MONDO:0100228.

Allele frequency attached by ClinVar (database versions not stated): TOPMed below 0.00001; ExAC 0.00001; gnomAD exomes 0.00001.

Submissions (2):

Labcorp Genetics (formerly Invitae), Labcorp
Classification: Uncertain significance for LAMA2-related muscular dystrophy. Last evaluated: 2022-08-16. Review status: criteria provided, single submitter. Criteria: Invitae Variant Classification Sherloc (09022015). Collection method: clinical testing. Allele origin: germline.
Comment: This sequence change replaces methionine, which is neutral and non-polar, with valine, which is neutral and non-polar, at codon 1221 of the LAMA2 protein (p.Met1221Val). This variant is present in population databases (rs766732392, gnomAD 0.02%). This variant has not been reported in the literature in individuals affected with LAMA2-related conditions. ClinVar contains an entry for this variant (Variation ID: 575902). Advanced modeling of protein sequence and biophysical properties (such as structural, functional, and spatial information, amino acid conservation, physicochemical variation, residue mobility, and thermodynamic stability) performed at Invitae indicates that this missense variant is not expected to disrupt LAMA2 protein function. In summary, the available evidence is currently insufficient to determine the role of this variant in disease. Therefore, it has been classified as a Variant of Uncertain Significance.

Revvity Omics, Revvity
Classification: Uncertain significance. Last evaluated: 2021-03-20. Review status: criteria provided, single submitter. Criteria: ACMG Guidelines, 2015. Collection method: clinical testing. Allele origin: germline.

NM_000426.4(LAMA2):c.3661A>G (p.Met1221Val)

Gene: LAMA2 (laminin subunit alpha 2; plus strand). Cytogenetic location: 6q22.33.
Variant type: single nucleotide variant.
Coding change: c.3661A>G on transcript NM_000426.4 (MANE Select); coding-DNA position 3661, A replaced by G.
Protein change: p.Met1221Val; replaces methionine 1221 with valine.
Molecular consequence: missense variant.
Genome position (GRCh38, 1-based): chr6:129,315,581, A>G. VCF-style: chr6-129315581-A-G. GRCh37 (hg19) VCF-style: chr6-129636726-A-G.
Other names: c.3661A>G, p.Met1221Val (NM_001079823.2); short protein forms M1221V.
Identifiers: ClinVar variation 575902 (VCV000575902.5), dbSNP rs766732392, ClinGen allele CA3993323.